The following is an entry in ClinVar:

ClinVar aggregate classification (germline): Uncertain significance (1 of 4 stars; one submission).

Conditions:
Gastrointestinal stromal tumor. Also called: Gastrointestinal stromal tumor, somatic; Gastrointestinal stroma tumor. Identifiers: Orphanet 44890, MedGen C0238198, MeSH D046152, MONDO:0011719, OMIM 606764, HP:0100723.

Submission:

Labcorp Genetics (formerly Invitae), Labcorp
Classification: Uncertain significance for Gastrointestinal stromal tumor. Last evaluated: 2025-02-17. Review status: criteria provided, single submitter. Criteria: Invitae Variant Classification Sherloc (09022015). Collection method: clinical testing. Allele origin: germline.
Comment: This sequence change replaces leucine, which is neutral and non-polar, with valine, which is neutral and non-polar, at codon 356 of the PDGFRA protein (p.Leu356Val). This variant is not present in population databases (gnomAD no frequency). This variant has not been reported in the literature in individuals affected with PDGFRA-related conditions. ClinVar contains an entry for this variant (Variation ID: 1523804). Invitae Evidence Modeling of protein sequence and biophysical properties (such as structural, functional, and spatial information, amino acid conservation, physicochemical variation, residue mobility, and thermodynamic stability) indicates that this missense variant is not expected to disrupt PDGFRA protein function with a negative predictive value of 80%. In summary, the available evidence is currently insufficient to determine the role of this variant in disease. Therefore, it has been classified as a Variant of Uncertain Significance.

NM_006206.6(PDGFRA):c.1066C>G (p.Leu356Val)

Gene: PDGFRA (platelet derived growth factor receptor alpha; plus strand). Cytogenetic location: 4q12.
Variant type: single nucleotide variant.
Coding change: c.1066C>G on transcript NM_006206.6 (MANE Select); coding-DNA position 1066, C replaced by G.
Protein change: p.Leu356Val; replaces leucine 356 with valine.
Molecular consequence: missense variant.
Genome position (GRCh38, 1-based): chr4:54,267,686, C>G. VCF-style: chr4-54267686-C-G. GRCh37 (hg19) VCF-style: chr4-55133853-C-G.
Other names: c.1066C>G, p.Leu356Val (NM_001347827.2, NM_001347829.2); c.1141C>G, p.Leu381Val (NM_001347828.2); c.1105C>G, p.Leu369Val (NM_001347830.2); short protein forms L356V, L369V, L381V.
Identifiers: ClinVar variation 1523804 (VCV001523804.8), dbSNP rs2110267410, ClinGen allele CA356891722.